The following is an entry in ClinVar:

ClinVar aggregate classification (germline): Uncertain significance (1 of 4 stars; one submission).

Conditions:
Episodic ataxia type 2 (EA2). Also called: CEREBELLAR ATAXIA, PAROXYSMAL, ACETAZOLAMIDE-RESPONSIVE; CEREBELLOPATHY, HEREDITARY PAROXYSMAL; EPISODIC ATAXIA, NYSTAGMUS-ASSOCIATED; ACETAZOLAMIDE-RESPONSIVE HEREDITARY PAROXYSMAL CEREBELLAR ATAXIA; ATAXIA, EPISODIC, WITH NYSTAGMUS; ATAXIA, FAMILIAL PAROXYSMAL. Identifiers: Orphanet 97, MedGen C1720416, MONDO:0007163, OMIM 108500.
Developmental and epileptic encephalopathy, 42 (DEE42A). Also called: Epileptic encephalopathy, early infantile, 42; DEVELOPMENTAL AND EPILEPTIC ENCEPHALOPATHY 42A; EPILEPTIC ENCEPHALOPATHY, EARLY INFANTILE, 42A. Identifiers: MedGen C4310716, MONDO:0014917, OMIM 617106.

Submission:

Labcorp Genetics (formerly Invitae), Labcorp
Classification: Uncertain significance for Developmental and epileptic encephalopathy, 42; Episodic ataxia type 2. Last evaluated: 2024-10-26. Review status: criteria provided, single submitter. Criteria: Invitae Variant Classification Sherloc (09022015). Collection method: clinical testing. Allele origin: germline.
Comment: This sequence change replaces alanine, which is neutral and non-polar, with valine, which is neutral and non-polar, at codon 461 of the CACNA1A protein (p.Ala461Val). This variant is not present in population databases (gnomAD no frequency). This variant has not been reported in the literature in individuals affected with CACNA1A-related conditions. Invitae Evidence Modeling of protein sequence and biophysical properties (such as structural, functional, and spatial information, amino acid conservation, physicochemical variation, residue mobility, and thermodynamic stability) indicates that this missense variant is not expected to disrupt CACNA1A protein function with a negative predictive value of 95%. In summary, the available evidence is currently insufficient to determine the role of this variant in disease. Therefore, it has been classified as a Variant of Uncertain Significance.

NM_001127222.2(CACNA1A):c.1379C>T (p.Ala460Val)

Gene: CACNA1A (calcium voltage-gated channel subunit alpha1 A; minus strand). Cytogenetic location: 19p13.13.
Variant type: single nucleotide variant.
Coding change: c.1379C>T on transcript NM_001127222.2 (MANE Select); coding-DNA position 1379, C replaced by T.
Protein change: p.Ala460Val; replaces alanine 460 with valine.
Molecular consequence: missense variant.
Genome position (GRCh38, 1-based): chr19:13,317,288, G>A on the plus strand (C>T on the coding strand, the complement: CACNA1A is on the minus strand). VCF-style: chr19-13317288-G-A. GRCh37 (hg19) VCF-style: chr19-13428102-G-A.
Other names: c.1382C>T, p.Ala461Val (NM_000068.4, NM_001127221.2, NM_001174080.2 and 1 more transcripts); short protein forms A460V, A461V.
Identifiers: ClinVar variation 2936856 (VCV002936856.3), dbSNP rs2058146595, ClinGen allele CA404345943.